The following is an entry in ClinVar:

ClinVar aggregate classification (germline): Uncertain significance. Review status: criteria provided, multiple submitters, no conflicts (2 of 4 stars). 2 submissions from 2 submitters: Uncertain significance (2). Last evaluated 2025-10-22.

Allele frequency attached by ClinVar (database versions not stated): ExAC 0.00001.
gnomAD v4.1: 22 of 1,614,062 alleles (0.0014%); highest among the groups gnomAD compares: East Asian, 0.0022%; no homozygotes.

Submissions (2):

Labcorp Genetics (formerly Invitae), Labcorp
Classification: Uncertain significance. Last evaluated: 2025-10-22. Review status: criteria provided, single submitter. Criteria: Invitae Variant Classification Sherloc (09022015). Collection method: clinical testing. Allele origin: germline.
Comment: This sequence change replaces valine, which is neutral and non-polar, with methionine, which is neutral and non-polar, at codon 543 of the AK7 protein (p.Val543Met). This variant is present in population databases (rs777585613, gnomAD 0.003%). This variant has not been reported in the literature in individuals affected with AK7-related conditions. ClinVar contains an entry for this variant (Variation ID: 1915398). Invitae Evidence Modeling of protein sequence and biophysical properties (such as structural, functional, and spatial information, amino acid conservation, physicochemical variation, residue mobility, and thermodynamic stability) indicates that this missense variant is expected to disrupt AK7 protein function with a positive predictive value of 80%. In summary, the available evidence is currently insufficient to determine the role of this variant in disease. Therefore, it has been classified as a Variant of Uncertain Significance.

Ambry Genetics
Classification: Uncertain significance. Last evaluated: 2023-10-02. Review status: criteria provided, single submitter. Criteria: Ambry Variant Classification Scheme 2023. Collection method: clinical testing. Allele origin: germline.

NM_152327.5(AK7):c.1627G>A (p.Val543Met)

Gene: AK7 (adenylate kinase 7; plus strand). Cytogenetic location: 14q32.2.
Variant type: single nucleotide variant.
Coding change: c.1627G>A on transcript NM_152327.5 (MANE Select); coding-DNA position 1627, G replaced by A.
Protein change: p.Val543Met; replaces valine 543 with methionine.
Molecular consequence: missense variant.
Genome position (GRCh38, 1-based): chr14:96,478,536, G>A. VCF-style: chr14-96478536-G-A. GRCh37 (hg19) VCF-style: chr14-96944873-G-A.
Other names: c.1558G>A, p.Val520Met (NM_001350888.2, NM_001350890.2); c.1549G>A, p.Val517Met (NM_001350891.2); c.1429G>A, p.Val477Met (NM_001350892.2); c.1627G>A (NM_152327.2); short protein forms V477M, V517M, V520M, V543M.
Identifiers: ClinVar variation 1915398 (VCV001915398.6), dbSNP rs777585613, ClinGen allele CA7337911.
Genomic context (GRCh38, chr14:96,478,536, plus strand): 5'-GCACTGGATGCTTCGGATGAGTTTCTGAAGGAGCGTGTGATAAACCTTCCTGAGAGCATC[G>A]TGGCGGGGACCCACTACAGCCAAGACCGATTCCTCCGGGCTCTGAGCAACTACCGGGACA-3'
Protein context (NP_689540.2, residues 533-553): ERVINLPESI[Val543Met]AGTHYSQDRF